The following is an entry in ClinVar:

ClinVar aggregate classification (germline): Uncertain significance (1 of 4 stars; one submission).

gnomAD v4.1: 1 of 1,613,986 alleles (0.000062%); highest among the groups gnomAD compares: Non-Finnish European, 0.000085%; no homozygotes.

Submission:

Labcorp Genetics (formerly Invitae), Labcorp
Classification: Uncertain significance. Last evaluated: 2025-11-11. Review status: criteria provided, single submitter. Criteria: Invitae Variant Classification Sherloc (09022015). Collection method: clinical testing. Allele origin: germline.
Comment: This sequence change replaces leucine, which is neutral and non-polar, with valine, which is neutral and non-polar, at codon 208 of the C1S protein (p.Leu208Val). This variant is not present in population databases (gnomAD no frequency). This variant has not been reported in the literature in individuals affected with C1S-related conditions. Invitae Evidence Modeling of protein sequence and biophysical properties (such as structural, functional, and spatial information, amino acid conservation, physicochemical variation, residue mobility, and thermodynamic stability) indicates that this missense variant is not expected to disrupt C1S protein function with a negative predictive value of 80%. In summary, the available evidence is currently insufficient to determine the role of this variant in disease. Therefore, it has been classified as a Variant of Uncertain Significance.

NM_001734.5(C1S):c.622T>G (p.Leu208Val)

Gene: C1S (complement C1s; plus strand). Cytogenetic location: 12p13.31.
Variant type: single nucleotide variant.
Coding change: c.622T>G on transcript NM_001734.5 (MANE Select); coding-DNA position 622, T replaced by G.
Protein change: p.Leu208Val; replaces leucine 208 with valine.
Molecular consequence: missense variant.
Genome position (GRCh38, 1-based): chr12:7,065,204, T>G. VCF-style: chr12-7065204-T-G. GRCh37 (hg19) VCF-style: chr12-7172508-T-G.
Other names: c.121T>G, p.Leu41Val (NM_001346850.2); c.622T>G, p.Leu208Val (NM_201442.4); short protein forms L41V, L208V.
Identifiers: ClinVar variation 4776508 (VCV004776508.1).
Genomic context (GRCh38, chr12:7,065,204, plus strand): 5'-GCAAGTCCCAATTATCCCAAACCATATCCAGAGAACTCAAGGTGTGAATACCAGATCCGG[T>G]TGGAGAAAGGGTTCCAAGTGGTGGTGACCTTGCGGAGAGAAGATTTTGATGTGGAAGCAG-3'
Protein context (NP_001725.1, residues 198-218): ENSRCEYQIR[Leu208Val]EKGFQVVVTL